The following is an entry in ClinVar:

ClinVar aggregate classification (germline): Likely pathogenic (1 of 4 stars; one submission).

Conditions:
Cortical dysplasia, complex, with other brain malformations 13. Also called: Intellectual disability, autosomal dominant 13. Identifiers: MedGen C3281202, MONDO:0013805, OMIM 614563.

Submission:

Genetics Laboratory, UDIAT-Centre Diagnòstic, Hospital Universitari Parc Tauli
Classification: Likely pathogenic for Cortical dysplasia, complex, with other brain malformations 13. Last evaluated: 2022-10-04. Review status: criteria provided, single submitter. Criteria: Parc Tauli Hospital Assertion Criteria 2021. Collection method: clinical testing. Allele origin: de novo. Inheritance: Autosomal dominant inheritance. Affected: yes.
Comment: PM1;PM2_supporting;PM6;PP2

NM_001376.5(DYNC1H1):c.6872T>G (p.Val2291Gly)

Gene: DYNC1H1 (dynein cytoplasmic 1 heavy chain 1; plus strand). Cytogenetic location: 14q32.31.
Variant type: single nucleotide variant.
Coding change: c.6872T>G on transcript NM_001376.5 (MANE Select); coding-DNA position 6872, T replaced by G.
Protein change: p.Val2291Gly; replaces valine 2291 with glycine.
Molecular consequence: missense variant.
Genome position (GRCh38, 1-based): chr14:102,012,328, T>G. VCF-style: chr14-102012328-T-G. GRCh37 (hg19) VCF-style: chr14-102478665-T-G.
Other names: short protein forms V2291G.
Identifiers: ClinVar variation 1708257 (VCV001708257.2), dbSNP rs2503757710, ClinGen allele CA391058435.